The following is an entry in ClinVar:

NM_001365536.1(SCN9A):c.5096G>C (p.Gly1699Ala)

Genes: SCN9A (sodium voltage-gated channel alpha subunit 9; minus strand), SCN1A-AS1 (SCN1A and SCN9A antisense RNA 1; plus strand). Cytogenetic location: 2q24.3.
Variant type: single nucleotide variant.
Coding change: c.5096G>C on transcript NM_001365536.1 (MANE Select); coding-DNA position 5096, G replaced by C.
Protein change: p.Gly1699Ala; replaces glycine 1699 with alanine.
Molecular consequence: missense variant.
Genome position (GRCh38, 1-based): chr2:166,199,543, C>G on the plus strand (G>C on the coding strand, the complement: SCN9A is on the minus strand). VCF-style: chr2-166199543-C-G. GRCh37 (hg19) VCF-style: chr2-167056053-C-G.
Other names: c.5063G>C, p.Gly1688Ala (NM_002977.4); short protein forms G1699A, G1688A.
Identifiers: ClinVar variation 2923279 (VCV002923279.3), dbSNP rs761880427, ClinGen allele CA1943730.

ClinVar aggregate classification (germline): Uncertain significance (1 of 4 stars; one submission).

Conditions:
Generalized epilepsy with febrile seizures plus, type 7 (GEFSP7). Also called: GEFS+, TYPE 7. Identifiers: Orphanet 36387, MedGen C2751778, MONDO:0013470, OMIM 613863.
Neuropathy, hereditary sensory and autonomic, type 2A (HSAN2A). Also called: ACROOSTEOLYSIS, GIACCAI TYPE; ACROOSTEOLYSIS, NEUROGENIC; HSAN IIA; WNK1-Related HSAN2 (HSAN2A); MORVAN DISEASE; NEUROPATHY, CONGENITAL SENSORY. Identifiers: Orphanet 970, MedGen C2752089, MONDO:0024309, OMIM 201300.

Allele frequency attached by ClinVar (database versions not stated): ExAC 0.00001.
gnomAD v4.1: 2 of 1,614,186 alleles (0.00012%); highest among the groups gnomAD compares: South Asian, 0.0011%; no homozygotes.

Submission:

Labcorp Genetics (formerly Invitae), Labcorp
Classification: Uncertain significance for Neuropathy, hereditary sensory and autonomic, type 2A; Generalized epilepsy with febrile seizures plus, type 7. Last evaluated: 2023-12-06. Review status: criteria provided, single submitter. Criteria: Invitae Variant Classification Sherloc (09022015). Collection method: clinical testing. Allele origin: germline.
Comment: This sequence change replaces glycine, which is neutral and non-polar, with alanine, which is neutral and non-polar, at codon 1688 of the SCN9A protein (p.Gly1688Ala). This variant is present in population databases (rs761880427, gnomAD 0.003%). This variant has not been reported in the literature in individuals affected with SCN9A-related conditions. Advanced modeling of protein sequence and biophysical properties (such as structural, functional, and spatial information, amino acid conservation, physicochemical variation, residue mobility, and thermodynamic stability) has been performed at Invitae for this missense variant, however the output from this modeling did not meet the statistical confidence thresholds required to predict the impact of this variant on SCN9A protein function. In summary, the available evidence is currently insufficient to determine the role of this variant in disease. Therefore, it has been classified as a Variant of Uncertain Significance.